The following is an entry in ClinVar:

NM_004667.6(HERC2):c.1869C>T (p.Asn623=)

Gene: HERC2 (HECT and RLD domain containing E3 ubiquitin protein ligase 2; minus strand). Cytogenetic location: 15q13.1.
Variant type: single nucleotide variant.
Coding change: c.1869C>T on transcript NM_004667.6 (MANE Select); coding-DNA position 1869, C replaced by T.
Protein change: p.Asn623=; no amino-acid change (asparagine 623 retained).
Molecular consequence: synonymous variant.
Genome position (GRCh38, 1-based): chr15:28,265,619, G>A on the plus strand (C>T on the coding strand, the complement: HERC2 is on the minus strand). VCF-style: chr15-28265619-G-A. GRCh37 (hg19) VCF-style: chr15-28510765-G-A.
Identifiers: ClinVar variation 3048971 (VCV003048971.2), dbSNP rs150220154, ClinGen allele CA7443327.

ClinVar aggregate classification (germline): Likely benign (0 of 4 stars; one submission).

Conditions:
HERC2-related disorder. Also called: HERC2-related condition.

Allele frequency attached by ClinVar (database versions not stated): ExAC 0.00006; TOPMed 0.00006; gnomAD 0.00007; ESP Exome Variant Server 0.00008; 1000 Genomes Project 0.00020; 1000 Genomes Project 30x 0.00031.
gnomAD v4.1: 56 of 1,613,258 alleles (0.0035%); highest among the groups gnomAD compares: African/African-American, 0.013%; no homozygotes.

Submission:

PreventionGenetics, part of Exact Sciences
Classification: Likely benign for HERC2-related condition. Last evaluated: 2019-12-09. Review status: no assertion criteria provided. Collection method: clinical testing. Allele origin: germline.
Comment: This variant is classified as likely benign based on ACMG/AMP sequence variant interpretation guidelines (Richards et al. 2015 PMID: 25741868, with internal and published modifications).